The following is an entry in ClinVar:

NM_003922.4(HERC1):c.12302G>A (p.Gly4101Asp)

Gene: HERC1 (HECT and RLD domain containing E3 ubiquitin protein ligase family member 1; minus strand). Cytogenetic location: 15q22.31.
Variant type: single nucleotide variant.
Coding change: c.12302G>A on transcript NM_003922.4 (MANE Select); coding-DNA position 12302, G replaced by A.
Protein change: p.Gly4101Asp; replaces glycine 4101 with aspartic acid.
Molecular consequence: missense variant.
Genome position (GRCh38, 1-based): chr15:63,636,073, C>T on the plus strand (G>A on the coding strand, the complement: HERC1 is on the minus strand). VCF-style: chr15-63636073-C-T. GRCh37 (hg19) VCF-style: chr15-63928272-C-T.
Other names: short protein forms G4101D.
Identifiers: ClinVar variation 1031371 (VCV001031371.1), dbSNP rs780457593, ClinGen allele CA7604024.
Genomic context (GRCh38, chr15:63,636,073, plus strand): 5'-CTGTCGCTGTTCCCATGGCCAAGTTTACCATAGTCACCATCTCCCCAGCTAAAGACCTCA[C>T]CACTTTCAGTTAGGGCCATAGAGTGCCCATCAGAACCACAGGAAGTCACCAGCTGGGTCA-3'
Protein context (NP_003913.3, residues 4091-4111): DGHSMALTES[Gly4101Asp]EVFSWGDGDY

ClinVar aggregate classification (germline): Uncertain significance (1 of 4 stars; one submission).

Conditions:
Macrocephaly, dysmorphic facies, and psychomotor retardation (MDFPMR). Identifiers: Orphanet 457359, MedGen C4310766, MONDO:0014863, OMIM 617011.

Allele frequency attached by ClinVar (database versions not stated): ExAC 0.00001; gnomAD 0.00001; gnomAD exomes 0.00001; TOPMed 0.00002.
gnomAD v4.1: 21 of 1,613,700 alleles (0.0013%); highest among the groups gnomAD compares: Non-Finnish European, 0.0015%; no homozygotes.

Submission:

Baylor Genetics
Classification: Uncertain significance for Macrocephaly, dysmorphic facies, and psychomotor retardation. Last evaluated: 2018-02-13. Review status: criteria provided, single submitter. Criteria: ACMG Guidelines, 2015. Collection method: clinical testing. Allele origin: maternal. Affected: yes.
Comment: This variant was determined to be of uncertain significance according to ACMG Guidelines, 2015 [PMID:25741868].